The following is an entry in ClinVar:

NM_001291303.3(FAT4):c.5030T>C (p.Val1677Ala)

Gene: FAT4 (FAT atypical cadherin 4; plus strand). Cytogenetic location: 4q28.1.
Variant type: single nucleotide variant.
Coding change: c.5030T>C on transcript NM_001291303.3 (MANE Select); coding-DNA position 5030, T replaced by C.
Protein change: p.Val1677Ala; replaces valine 1677 with alanine.
Molecular consequence: missense variant.
Genome position (GRCh38, 1-based): chr4:125,321,441, T>C. VCF-style: chr4-125321441-T-C. GRCh37 (hg19) VCF-style: chr4-126242596-T-C.
Other names: c.5030T>C, p.Val1677Ala (NM_001291285.3, NM_024582.6); short protein forms V1677A.
Identifiers: ClinVar variation 1491371 (VCV001491371.4), dbSNP rs371042493, ClinGen allele CA104867949.

ClinVar aggregate classification (germline): Uncertain significance (1 of 4 stars; one submission).

Allele frequency attached by ClinVar (database versions not stated): TOPMed below 0.00001; gnomAD 0.00001; gnomAD exomes 0.00002; ESP Exome Variant Server 0.00008.
gnomAD v4.1: 26 of 1,613,992 alleles (0.0016%); highest among the groups gnomAD compares: East Asian, 0.0022%; no homozygotes.

Submission:

Labcorp Genetics (formerly Invitae), Labcorp
Classification: Uncertain significance. Last evaluated: 2022-11-15. Review status: criteria provided, single submitter. Criteria: Invitae Variant Classification Sherloc (09022015). Collection method: clinical testing. Allele origin: germline.
Comment: In summary, the available evidence is currently insufficient to determine the role of this variant in disease. Therefore, it has been classified as a Variant of Uncertain Significance. Advanced modeling of protein sequence and biophysical properties (such as structural, functional, and spatial information, amino acid conservation, physicochemical variation, residue mobility, and thermodynamic stability) performed at Invitae indicates that this missense variant is not expected to disrupt FAT4 protein function. ClinVar contains an entry for this variant (Variation ID: 1491371). This variant has not been reported in the literature in individuals affected with FAT4-related conditions. This variant is not present in population databases (gnomAD no frequency). This sequence change replaces valine, which is neutral and non-polar, with alanine, which is neutral and non-polar, at codon 1677 of the FAT4 protein (p.Val1677Ala).